The following is an entry in ClinVar:

NM_001046.3(SLC12A2):c.384G>A (p.Pro128=)

Gene: SLC12A2 (solute carrier family 12 member 2; plus strand). Cytogenetic location: 5q23.3.
Variant type: single nucleotide variant.
Coding change: c.384G>A on transcript NM_001046.3 (MANE Select); coding-DNA position 384, G replaced by A.
Protein change: p.Pro128=; no amino-acid change (proline 128 retained).
Molecular consequence: synonymous variant. On other transcripts: non-coding transcript variant (1).
Genome position (GRCh38, 1-based): chr5:128,084,338, G>A. VCF-style: chr5-128084338-G-A. GRCh37 (hg19) VCF-style: chr5-127420030-G-A.
Other names: c.384G>A, p.Pro128= (NM_001256461.2).
Identifiers: ClinVar variation 4982766 (VCV004982766.1).

ClinVar aggregate classification (germline): Likely benign (1 of 4 stars; one submission).

Conditions:
SLC12A2-related disorder. Also called: SLC12A2-related disorders; SLC12A2-related condition.

gnomAD v4.1: 2 of 1,580,172 alleles (0.00013%); highest among the groups gnomAD compares: East Asian, 0.0023%; no homozygotes.

Submission:

PreventionGenetics, part of Exact Sciences
Classification: Likely benign for SLC12A2-related condition. Last evaluated: 2026-09-06. Review status: criteria provided, single submitter. Criteria: ACMG Guidelines, 2015. Collection method: clinical testing. Allele origin: germline.
Comment: This variant is classified as likely benign based on ACMG/AMP sequence variant interpretation guidelines (Richards et al. 2015 PMID: 25741868, with internal and published modifications).